The following is an entry in ClinVar:

NM_001130438.3(SPTAN1):c.3466G>C (p.Asp1156His)

Gene: SPTAN1 (spectrin alpha, non-erythrocytic 1; plus strand). Cytogenetic location: 9q34.11.
Variant type: single nucleotide variant.
Coding change: c.3466G>C on transcript NM_001130438.3 (MANE Select); coding-DNA position 3466, G replaced by C.
Protein change: p.Asp1156His; replaces aspartic acid 1156 with histidine.
Molecular consequence: missense variant.
Genome position (GRCh38, 1-based): chr9:128,598,451, G>C. VCF-style: chr9-128598451-G-C. GRCh37 (hg19) VCF-style: chr9-131360730-G-C.
Other names: c.3466G>C, p.Asp1156His (NM_001375311.2, NM_001375313.1, NM_003127.4 and 2 more transcripts); c.3502G>C, p.Asp1168His (NM_001375312.2, NM_001375318.1); c.3406G>C, p.Asp1136His (NM_001375314.2, NM_001195532.2, NM_001363765.2); short protein forms D1168H, D1136H, D1156H.
Identifiers: ClinVar variation 946906 (VCV000946906.11), dbSNP rs1854608331, ClinGen allele CA375062332.
Genomic context (GRCh38, chr9:128,598,451, plus strand): 5'-GCTTTAAAGGACCTGAAGGCCAATGAGTCACGGTTGAAGGACATTAACAAGGTAGCTGAA[G>C]ACCTGGAGTCTGAAGGTCTCATGGCAGAGGAGGTGCAGGCTGTGCAACAACAGGTAGGTG-3'
Protein context (NP_001123910.1, residues 1146-1166): RLKDINKVAE[Asp1156His]LESEGLMAEE

ClinVar aggregate classification (germline): Uncertain significance. Review status: criteria provided, multiple submitters, no conflicts (2 of 4 stars). 2 submissions from 2 submitters: Uncertain significance (2). Last evaluated 2025-10-26.

Conditions:
Early-infantile DEE. Also called: Early infantile epileptic encephalopathy; Ohtahara syndrome; Early infantile epileptic encephalopathy with suppression bursts. Identifiers: Orphanet 1934, MedGen C0393706, MONDO:0800491.

Allele frequency attached by ClinVar (database versions not stated): gnomAD exomes below 0.00001; gnomAD 0.00001.
gnomAD v4.1: 3 of 1,613,358 alleles (0.00019%); highest among the groups gnomAD compares: African/African-American, 0.0013%; no homozygotes.

Submissions (2):

Labcorp Genetics (formerly Invitae), Labcorp
Classification: Uncertain significance for Early-infantile DEE. Last evaluated: 2025-10-26. Review status: criteria provided, single submitter. Criteria: Invitae Variant Classification Sherloc (09022015). Collection method: clinical testing. Allele origin: germline.
Comment: This sequence change replaces aspartic acid, which is acidic and polar, with histidine, which is basic and polar, at codon 1156 of the SPTAN1 protein (p.Asp1156His). This variant is not present in population databases (gnomAD no frequency). This variant has not been reported in the literature in individuals affected with SPTAN1-related conditions. ClinVar contains an entry for this variant (Variation ID: 946906). Invitae Evidence Modeling of protein sequence and biophysical properties (such as structural, functional, and spatial information, amino acid conservation, physicochemical variation, residue mobility, and thermodynamic stability) has been performed for this missense variant. However, the output from this modeling did not meet the statistical confidence thresholds required to predict the impact of this variant on SPTAN1 protein function. In summary, the available evidence is currently insufficient to determine the role of this variant in disease. Therefore, it has been classified as a Variant of Uncertain Significance.

GeneDx
Classification: Uncertain significance. Last evaluated: 2022-10-20. Review status: criteria provided, single submitter. Criteria: GeneDx Variant Classification Process June 2021. Collection method: clinical testing. Allele origin: germline. Affected: yes.
Comment: Not observed at significant frequency in large population cohorts (gnomAD); In silico analysis supports that this missense variant does not alter protein structure/function; Has not been previously published as pathogenic or benign to our knowledge